The following is an entry in ClinVar:

NM_015072.5(TTLL5):c.581A>G (p.Asn194Ser)

Gene: TTLL5 (tubulin tyrosine ligase like 5; plus strand). Cytogenetic location: 14q24.3.
Variant type: single nucleotide variant.
Coding change: c.581A>G on transcript NM_015072.5 (MANE Select); coding-DNA position 581, A replaced by G.
Protein change: p.Asn194Ser; replaces asparagine 194 with serine.
Molecular consequence: missense variant.
Genome position (GRCh38, 1-based): chr14:75,699,266, A>G. VCF-style: chr14-75699266-A-G. GRCh37 (hg19) VCF-style: chr14-76165609-A-G.
Other names: short protein forms N194S.
Identifiers: ClinVar variation 1003042 (VCV001003042.9), dbSNP rs1886086138, ClinGen allele CA390455679.

ClinVar aggregate classification (germline): Uncertain significance. Review status: criteria provided, multiple submitters, no conflicts (2 of 4 stars). 2 submissions from 2 submitters: Uncertain significance (2). Last evaluated 2024-01-30.

Allele frequency attached by ClinVar (database versions not stated): gnomAD exomes below 0.00001; TOPMed 0.00001.
gnomAD v4.1: 3 of 1,613,876 alleles (0.00019%); highest among the groups gnomAD compares: Non-Finnish European, 0.00025%; no homozygotes.

Submissions (2):

Blueprint Genetics
Classification: Uncertain significance. Last evaluated: 2024-01-30. Review status: criteria provided, single submitter. Criteria: ACMG Guidelines, 2015. Collection method: clinical testing. Allele origin: germline.

Labcorp Genetics (formerly Invitae), Labcorp
Classification: Uncertain significance. Last evaluated: 2020-03-14. Review status: criteria provided, single submitter. Criteria: Invitae Variant Classification Sherloc (09022015). Collection method: clinical testing. Allele origin: germline.
Comment: Algorithms developed to predict the effect of missense changes on protein structure and function (SIFT, PolyPhen-2, Align-GVGD) all suggest that this variant is likely to be tolerated, but these predictions have not been confirmed by published functional studies and their clinical significance is uncertain. This sequence change replaces asparagine with serine at codon 194 of the TTLL5 protein (p.Asn194Ser). The asparagine residue is highly conserved and there is a small physicochemical difference between asparagine and serine. This variant is not present in population databases (ExAC no frequency). This variant has not been reported in the literature in individuals with TTLL5-related conditions. Algorithms developed to predict the effect of sequence changes on RNA splicing suggest that this variant may create or strengthen a splice site, but this prediction has not been confirmed by published transcriptional studies. In summary, the available evidence is currently insufficient to determine the role of this variant in disease. Therefore, it has been classified as a Variant of Uncertain Significance.